The following is an entry in ClinVar:

NM_000051.4(ATM):c.8987+1G>T

Genes: ATM (ATM serine/threonine kinase; plus strand), C11orf65 (chromosome 11 open reading frame 65; minus strand). Cytogenetic location: 11q22.3.
Variant type: single nucleotide variant.
Coding change: c.8987+1G>T on transcript NM_000051.4 (MANE Select); the canonical splice donor site of the intron after coding-DNA position 8987, G replaced by T.
Molecular consequence: splice donor variant. On other transcripts: intron variant (2).
Genome position (GRCh38, 1-based): chr11:108,365,219, G>T. VCF-style: chr11-108365219-G-T. GRCh37 (hg19) VCF-style: chr11-108235946-G-T.
Other names: c.8987+1G>T (NM_001351834.2); c.640+20701C>A (NM_001330368.2); c.694+20701C>A (NM_001351110.2).
Identifiers: ClinVar variation 4709883 (VCV004709883.1).

ClinVar aggregate classification (germline): Pathogenic (1 of 4 stars; one submission).

Conditions:
Ataxia-telangiectasia syndrome (AT). Also called: Ataxia-telangiectasia, complementation group D; AT, COMPLEMENTATION GROUP C; ATAXIA-TELANGIECTASIA, COMPLEMENTATION GROUP A; ATAXIA-TELANGIECTASIA, FRESNO VARIANT; Ataxia-telangiectasia; Ataxia-telangiectasia, complementation group E. Identifiers: Orphanet 100, MedGen C0004135, MONDO:0008840, OMIM 208900.

Submission:

Labcorp Genetics (formerly Invitae), Labcorp
Classification: Pathogenic for Ataxia-telangiectasia syndrome. Last evaluated: 2025-02-07. Review status: criteria provided, single submitter. Criteria: Invitae Variant Classification Sherloc (09022015). Collection method: clinical testing. Allele origin: germline.
Comment: This sequence change affects a donor splice site in intron 62 of the ATM gene. While this variant is not anticipated to result in nonsense mediated decay, it likely alters RNA splicing and results in a disrupted protein product. This variant is not present in population databases (gnomAD no frequency). Disruption of this splice site has been observed in individual(s) with ATM-related conditions (PMID: 10425038). This variant is also known as IVS64+1G>T. Variants that disrupt the consensus splice site are a relatively common cause of aberrant splicing (PMID: 17576681, 9536098). RNA analysis provides insufficient evidence to determine the effect of this variant on ATM splicing (internal data). This variant disrupts a region of the ATM protein in which other variant(s) (p.Arg3047*) have been determined to be pathogenic (PMID: 8755918, 10980530, 18560558, 19691550, 26628246). This suggests that this is a clinically significant region of the protein, and that variants that disrupt it are likely to be disease-causing. For these reasons, this variant has been classified as Pathogenic.

Literature cited by the submitters: PubMed 10425038; PubMed 17576681; PubMed 9536098; PubMed 8755918; PubMed 10980530; PubMed 18560558; PubMed 19691550; PubMed 26628246.